The following is an entry in ClinVar:

NM_001378477.3(NYX):c.109C>T (p.Arg37Cys)

Gene: NYX (nyctalopin; plus strand). Cytogenetic location: Xp11.4.
Variant type: single nucleotide variant.
Coding change: c.109C>T on transcript NM_001378477.3 (MANE Select); coding-DNA position 109, C replaced by T.
Protein change: p.Arg37Cys; replaces arginine 37 with cysteine.
Molecular consequence: missense variant.
Genome position (GRCh38, 1-based): chrX:41,473,577, C>T. VCF-style: chrX-41473577-C-T. GRCh37 (hg19) VCF-style: chrX-41332830-C-T.
Other names: c.109C>T, p.Arg37Cys (NM_022567.3); short protein forms R37C.
Identifiers: ClinVar variation 3361839 (VCV003361839.2).

ClinVar aggregate classification (germline): Uncertain significance (1 of 4 stars; one submission).

Submission:

GeneDx
Classification: Uncertain significance. Last evaluated: 2026-03-12. Review status: criteria provided, single submitter. Criteria: GeneDx Variant Classification Process June 2021. Collection method: clinical testing. Allele origin: germline.
Comment: Not observed at significant frequency in large population cohorts (gnomAD); In silico analysis supports that this missense variant has a deleterious effect on protein structure/function; Has not been previously published as pathogenic or benign to our knowledge